The following is an entry in ClinVar:

NM_176824.3(BBS7):c.1904A>T (p.His635Leu)

Gene: BBS7 (Bardet-Biedl syndrome 7; minus strand). Cytogenetic location: 4q27.
Variant type: single nucleotide variant.
Coding change: c.1904A>T on transcript NM_176824.3 (MANE Select); coding-DNA position 1904, A replaced by T.
Protein change: p.His635Leu; replaces histidine 635 with leucine.
Molecular consequence: missense variant.
Genome position (GRCh38, 1-based): chr4:121,828,256, T>A on the plus strand (A>T on the coding strand, the complement: BBS7 is on the minus strand). VCF-style: chr4-121828256-T-A. GRCh37 (hg19) VCF-style: chr4-122749411-T-A.
Other names: c.1904A>T, p.His635Leu (NM_018190.4); short protein forms H635L.
Identifiers: ClinVar variation 1044275 (VCV001044275.3), dbSNP rs1233960628, ClinGen allele CA358054537.
Genomic context (GRCh38, chr4:121,828,256, plus strand): 5'-TGATCTGCCTCTTCTAGAATACAGTGATATTCTGGTATCAGAAAGTTCGTATTTCCCTCA[T>A]GAATCTGTAATTCCTATTTAAAATGAAAAACAGAAGCACCTTAATATTCAAAATTCAATC-3'
Protein context (NP_789794.1, residues 625-645): LIDALKELQI[His635Leu]EGNTNFLIPE

ClinVar aggregate classification (germline): Uncertain significance (1 of 4 stars; one submission).

Conditions:
Bardet-Biedl syndrome (BBS). Identifiers: Orphanet 110, MedGen C0752166, MONDO:0015229.

Allele frequency attached by ClinVar (database versions not stated): gnomAD exomes below 0.00001; gnomAD 0.00001.
gnomAD v4.1: 2 of 1,613,282 alleles (0.00012%); highest among the groups gnomAD compares: Non-Finnish European, 0.00017%; no homozygotes.

Submission:

Labcorp Genetics (formerly Invitae), Labcorp
Classification: Uncertain significance for Bardet-Biedl syndrome. Last evaluated: 2025-03-17. Review status: criteria provided, single submitter. Criteria: Invitae Variant Classification Sherloc (09022015). Collection method: clinical testing. Allele origin: germline.
Comment: This sequence change replaces histidine, which is basic and polar, with leucine, which is neutral and non-polar, at codon 635 of the BBS7 protein (p.His635Leu). This variant is present in population databases (no rsID available, gnomAD 0.0009%). This variant has not been reported in the literature in individuals affected with BBS7-related conditions. ClinVar contains an entry for this variant (Variation ID: 1044275). Invitae Evidence Modeling of protein sequence and biophysical properties (such as structural, functional, and spatial information, amino acid conservation, physicochemical variation, residue mobility, and thermodynamic stability) indicates that this missense variant is expected to disrupt BBS7 protein function with a positive predictive value of 80%. In summary, the available evidence is currently insufficient to determine the role of this variant in disease. Therefore, it has been classified as a Variant of Uncertain Significance.